The following is an entry in ClinVar:

ClinVar aggregate classification (germline): Uncertain significance (1 of 4 stars; one submission).

Conditions:
Amyotrophic lateral sclerosis type 21. Also called: VOCAL CORD AND PHARYNGEAL DYSFUNCTION WITH DISTAL MYOPATHY; MYOPATHY, DISTAL, 2. Identifiers: Orphanet 600, Orphanet 803, MedGen C3807521, MONDO:0011632, OMIM 606070.

Submission:

Labcorp Genetics (formerly Invitae), Labcorp
Classification: Uncertain significance for Amyotrophic lateral sclerosis type 21. Last evaluated: 2024-02-19. Review status: criteria provided, single submitter. Criteria: Invitae Variant Classification Sherloc (09022015). Collection method: clinical testing. Allele origin: germline.
Comment: This sequence change replaces aspartic acid, which is acidic and polar, with asparagine, which is neutral and polar, at codon 222 of the MATR3 protein (p.Asp222Asn). This variant is not present in population databases (gnomAD no frequency). This variant has not been reported in the literature in individuals affected with MATR3-related conditions. Advanced modeling of protein sequence and biophysical properties (such as structural, functional, and spatial information, amino acid conservation, physicochemical variation, residue mobility, and thermodynamic stability) performed at Invitae indicates that this missense variant is not expected to disrupt MATR3 protein function with a negative predictive value of 80%. In summary, the available evidence is currently insufficient to determine the role of this variant in disease. Therefore, it has been classified as a Variant of Uncertain Significance.

NM_018834.6(MATR3):c.664G>A (p.Asp222Asn)

Gene: MATR3 (matrin 3; plus strand). Cytogenetic location: 5q31.2.
Variant type: single nucleotide variant.
Coding change: c.664G>A on transcript NM_018834.6 (MANE Select); coding-DNA position 664, G replaced by A.
Protein change: p.Asp222Asn; replaces aspartic acid 222 with asparagine.
Molecular consequence: missense variant. On other transcripts: intron variant (11).
Genome position (GRCh38, 1-based): chr5:139,308,079, G>A. VCF-style: chr5-139308079-G-A. GRCh37 (hg19) VCF-style: chr5-138643768-G-A.
Other names: c.664G>A, p.Asp222Asn (NM_001194954.2, NM_001194955.2, NM_001400441.1 and 16 more transcripts); c.52-6596G>A (NM_001400459.1); c.-102-6596G>A (NM_001400463.1, NM_001400460.1, NM_001282278.2 and 3 more transcripts); c.-40-7618G>A (NM_001400462.1, NM_001400467.1); c.13-6596G>A (NM_001400461.1); c.49-6596G>A (NM_001194956.2); short protein forms D222N.
Identifiers: ClinVar variation 3686532 (VCV003686532.2).